The following is an entry in ClinVar:

ClinVar aggregate classification (germline): Uncertain significance (1 of 4 stars; one submission).

Conditions:
Inborn genetic diseases. Identifiers: MedGen C0950123, MeSH D030342.

Submission:

Ambry Genetics
Classification: Uncertain significance for Inborn genetic diseases. Last evaluated: 2025-06-14. Review status: criteria provided, single submitter. Criteria: Ambry Variant Classification Scheme 2023. Collection method: clinical testing. Allele origin: germline.
Comment: The p.H298P variant (also known as c.893A>C), located in coding exon 5 of the ETV6 gene, results from an A to C substitution at nucleotide position 893. The histidine at codon 298 is replaced by proline, an amino acid with similar properties. This amino acid position is conserved. In addition, this alteration is predicted to be tolerated by in silico analysis. Based on the available evidence, the clinical significance of this variant remains unclear.

NM_001987.5(ETV6):c.893A>C (p.His298Pro)

Gene: ETV6 (ETS variant transcription factor 6; plus strand). Cytogenetic location: 12p13.2.
Variant type: single nucleotide variant.
Coding change: c.893A>C on transcript NM_001987.5 (MANE Select); coding-DNA position 893, A replaced by C.
Protein change: p.His298Pro; replaces histidine 298 with proline.
Molecular consequence: missense variant.
Genome position (GRCh38, 1-based): chr12:11,869,853, A>C. VCF-style: chr12-11869853-A-C. GRCh37 (hg19) VCF-style: chr12-12022787-A-C.
Other names: c.890A>C, p.His297Pro (NM_001413913.1); c.866A>C, p.His289Pro (NM_001413914.1); c.629A>C, p.His210Pro (NM_001413915.1); c.893A>C, p.His298Pro (NM_001413916.1, NM_001413917.1); short protein forms H210P, H298P, H289P, H297P.
Identifiers: ClinVar variation 4020132 (VCV004020132.1).